The following is an entry in ClinVar:

ClinVar aggregate classification (germline): Uncertain significance. Review status: criteria provided, multiple submitters, no conflicts (2 of 4 stars). 3 submissions from 3 submitters: Uncertain significance (3). Last evaluated 2026-06-30.

Conditions:
Cutis laxa, autosomal dominant 3 (ADCL3). Identifiers: Orphanet 90348, MedGen C4225268, MONDO:0014706, OMIM 616603.
de Barsy syndrome. Also called: Cutis laxa-corneal clouding-oligophrenia syndrome. Identifiers: Orphanet 2962, MedGen C0268354, MONDO:0017569.
Autosomal dominant spastic paraplegia type 9. Identifiers: MedGen C1832669, MONDO:0015091.
Inborn genetic diseases. Identifiers: MedGen C0950123, MeSH D030342.

Allele frequency attached by ClinVar (database versions not stated): gnomAD exomes 0.00005 and 0.00001; ESP Exome Variant Server 0.00008; 1000 Genomes Project 0.00040; ExAC 0.00002; gnomAD 0.00004; TOPMed 0.00003; 1000 Genomes Project 30x 0.00016.
gnomAD v4.1: 78 of 1,614,216 alleles (0.0048%); highest among the groups gnomAD compares: Non-Finnish European, 0.0066%; no homozygotes.

Submissions (4):

Ambry Genetics
Classification: Uncertain significance for Inborn genetic diseases. Last evaluated: 2026-06-30. Review status: criteria provided, single submitter. Criteria: Ambry Variant Classification Scheme 2023. Collection method: clinical testing. Allele origin: germline.
Comment: The c.1800A>G (p.L600L) alteration is located in exon 14 (coding exon 13) of the ALDH18A1 gene. This alteration consists of an A to G substitution at nucleotide position 1800. This nucleotide substitution does not change the amino acid at codon 600. Based on data from gnomAD, the G allele has an overall frequency of 0.001% (3/282632) total alleles studied. The highest observed frequency was 0.002% (3/128954) of European (non-Finnish) alleles. RNA studies have demonstrated that this variant results in a splice defect; the clinical impact of this abnormal splicing is unknown at this time (Ambry internal data). In silico splice site analysis predicts that this alteration may weaken the native splice donor site. Based on insufficient or conflicting evidence, the clinical significance of this alteration remains unclear.

Labcorp Genetics (formerly Invitae), Labcorp
Classification: Uncertain significance for Autosomal dominant spastic paraplegia type 9; de Barsy syndrome; Cutis laxa, autosomal dominant 3. Last evaluated: 2025-12-23. Review status: criteria provided, single submitter. Criteria: Invitae Variant Classification Sherloc (09022015). Collection method: clinical testing. Allele origin: germline.
Comment: This sequence change affects codon 600 of the ALDH18A1 mRNA. It is a 'silent' change, meaning that it does not change the encoded amino acid sequence of the ALDH18A1 protein. It affects a nucleotide within the consensus splice site. This variant is present in population databases (rs141192935, gnomAD 0.002%). This variant has not been reported in the literature in individuals affected with ALDH18A1-related conditions. ClinVar contains an entry for this variant (Variation ID: 1515929). Algorithms developed to predict the effect of sequence changes on RNA splicing suggest that this variant may disrupt the consensus splice site. In summary, the available evidence is currently insufficient to determine the role of this variant in disease. Therefore, it has been classified as a Variant of Uncertain Significance.

Blueprint Genetics
Classification: Uncertain significance. Last evaluated: 2024-05-10. Review status: criteria provided, single submitter. Criteria: ACMG Guidelines, 2015. Collection method: clinical testing. Allele origin: germline.

Dr. Peter K. Rogan Lab, Western University
No classification provided (evidence only). Condition: Hepatocellular carcinoma. Review status: no classification provided. Collection method: in vitro. Allele origin: not applicable. Functional consequence: retained intron. Not counted in ClinVar's aggregate classification.

NM_002860.4(ALDH18A1):c.1800A>G (p.Leu600=)

Gene: ALDH18A1 (aldehyde dehydrogenase 18 family member A1; minus strand). Cytogenetic location: 10q24.1.
Variant type: single nucleotide variant.
Coding change: c.1800A>G on transcript NM_002860.4 (MANE Select); coding-DNA position 1800, A replaced by G.
Protein change: p.Leu600=; no amino-acid change (leucine 600 retained).
Molecular consequence: synonymous variant.
Genome position (GRCh38, 1-based): chr10:95,613,967, T>C on the plus strand (A>G on the coding strand, the complement: ALDH18A1 is on the minus strand). VCF-style: chr10-95613967-T-C. GRCh37 (hg19) VCF-style: chr10-97373724-T-C.
Other names: c.1794A>G, p.Leu598= (NM_001017423.2, NM_001323415.2); c.1467A>G, p.Leu489= (NM_001323412.2, NM_001323416.2); c.1800A>G, p.Leu600= (NM_001323413.2, NM_001323414.2); c.1695A>G, p.Leu565= (NM_001323417.2); c.1461A>G, p.Leu487= (NM_001323418.2); c.1164A>G, p.Leu388= (NM_001323419.2); c.1800A>G (NM_002860.3).
Identifiers: ClinVar variation 1515929 (VCV001515929.9), dbSNP rs141192935, ClinGen allele CA5620230.